The following is an entry in ClinVar:

NM_153603.4(COG7):c.1293G>T (p.Lys431Asn)

Gene: COG7 (component of oligomeric golgi complex 7; minus strand). Cytogenetic location: 16p12.2.
Variant type: single nucleotide variant.
Coding change: c.1293G>T on transcript NM_153603.4 (MANE Select); coding-DNA position 1293, G replaced by T.
Protein change: p.Lys431Asn; replaces lysine 431 with asparagine.
Molecular consequence: missense variant.
Genome position (GRCh38, 1-based): chr16:23,413,564, C>A on the plus strand (G>T on the coding strand, the complement: COG7 is on the minus strand). VCF-style: chr16-23413564-C-A. GRCh37 (hg19) VCF-style: chr16-23424885-C-A.
Other names: short protein forms K431N.
Identifiers: ClinVar variation 1715598 (VCV001715598.5), dbSNP rs554871778, ClinGen allele CA395119406.

ClinVar aggregate classification (germline): Uncertain significance (1 of 4 stars; one submission).

Conditions:
COG7 congenital disorder of glycosylation (CDG2E). Also called: CONGENITAL DISORDER OF GLYCOSYLATION, TYPE IIe; CDG IIe. Identifiers: Orphanet 79333, MedGen C2931010, MONDO:0012118, OMIM 608779.

gnomAD v4.1: 2 of 1,559,956 alleles (0.00013%); highest among the groups gnomAD compares: Admixed American, 0.0033%; no homozygotes.

Submission:

Labcorp Genetics (formerly Invitae), Labcorp
Classification: Uncertain significance for COG7 congenital disorder of glycosylation. Last evaluated: 2022-08-10. Review status: criteria provided, single submitter. Criteria: Invitae Variant Classification Sherloc (09022015). Collection method: clinical testing. Allele origin: germline.
Comment: In summary, the available evidence is currently insufficient to determine the role of this variant in disease. Therefore, it has been classified as a Variant of Uncertain Significance. Algorithms developed to predict the effect of missense changes on protein structure and function are either unavailable or do not agree on the potential impact of this missense change (SIFT: "Deleterious"; PolyPhen-2: "Benign"; Align-GVGD: "Class C0"). This sequence change replaces lysine, which is basic and polar, with asparagine, which is neutral and polar, at codon 431 of the COG7 protein (p.Lys431Asn). This variant is present in population databases (no rsID available, gnomAD 0.006%). This variant has not been reported in the literature in individuals affected with COG7-related conditions.